The following is an entry in ClinVar:

ClinVar aggregate classification (germline): Uncertain significance (1 of 4 stars; one submission).

Allele frequency attached by ClinVar (database versions not stated): gnomAD exomes below 0.00001.
gnomAD v4.1: 5 of 1,211,915 alleles (0.00041%); highest among the groups gnomAD compares: South Asian, 0.0088%; no homozygotes.

Submission:

GeneDx
Classification: Uncertain significance. Last evaluated: 2023-01-25. Review status: criteria provided, single submitter. Criteria: GeneDx Variant Classification Process June 2021. Collection method: clinical testing. Allele origin: germline. Affected: yes.
Comment: Not observed at significant frequency in large population cohorts (gnomAD); In silico analysis supports that this missense variant does not alter protein structure/function; Has not been previously published as pathogenic or benign to our knowledge

NM_015922.3(NSDHL):c.981G>A (p.Met327Ile)

Gene: NSDHL (NAD(P) dependent 3-beta-hydroxysteroid dehydrogenase NSDHL; plus strand). Cytogenetic location: Xq28.
Variant type: single nucleotide variant.
Coding change: c.981G>A on transcript NM_015922.3 (MANE Select); coding-DNA position 981, G replaced by A.
Protein change: p.Met327Ile; replaces methionine 327 with isoleucine.
Molecular consequence: missense variant.
Genome position (GRCh38, 1-based): chrX:152,868,975, G>A. VCF-style: chrX-152868975-G-A. GRCh37 (hg19) VCF-style: chrX-152037519-G-A.
Other names: c.981G>A, p.Met327Ile (NM_001129765.2); short protein forms M327I.
Identifiers: ClinVar variation 2574424 (VCV002574424.1), dbSNP rs2521818974, ClinGen allele CA415287433.